The following is an entry in ClinVar:

ClinVar aggregate classification (germline): Uncertain significance (1 of 4 stars; one submission).

Conditions:
Neuroblastoma, susceptibility to, 3. Also called: ALK-Related Neuroblastic Tumor Susceptibility. Identifiers: Orphanet 635, MedGen C2751681, MONDO:0013083, OMIM 613014.

Allele frequency attached by ClinVar (database versions not stated): gnomAD 0.00001.
gnomAD v4.1: 1 of 1,612,972 alleles (0.000062%); highest among the groups gnomAD compares: Non-Finnish European, 0.000085%; no homozygotes.

Submission:

Labcorp Genetics (formerly Invitae), Labcorp
Classification: Uncertain significance for Neuroblastoma, susceptibility to, 3. Last evaluated: 2025-08-02. Review status: criteria provided, single submitter. Criteria: Invitae Variant Classification Sherloc (09022015). Collection method: clinical testing. Allele origin: germline.
Comment: This sequence change falls in intron 1 of the ALK gene. It does not directly change the encoded amino acid sequence of the ALK protein. It affects a nucleotide within the consensus splice site. This variant is present in population databases (no rsID available, gnomAD 0.007%). This variant has not been reported in the literature in individuals affected with ALK-related conditions. ClinVar contains an entry for this variant (Variation ID: 1061781). Variants that disrupt the consensus splice site are a relatively common cause of aberrant splicing (PMID: 17576681, 9536098). Algorithms developed to predict the effect of sequence changes on RNA splicing suggest that this variant is not likely to affect RNA splicing. In summary, the available evidence is currently insufficient to determine the role of this variant in disease. Therefore, it has been classified as a Variant of Uncertain Significance.

Literature cited by the submitters: PubMed 17576681; PubMed 9536098.

NM_004304.5(ALK):c.667+6C>G

Gene: ALK (ALK receptor tyrosine kinase; minus strand). Cytogenetic location: 2p23.1.
Variant type: single nucleotide variant.
Coding change: c.667+6C>G on transcript NM_004304.5 (MANE Select); 6 bases into the intron after coding-DNA position 667, C replaced by G.
Molecular consequence: intron variant.
Genome position (GRCh38, 1-based): chr2:29,919,987, G>C on the plus strand (C>G on the coding strand, the complement: ALK is on the minus strand). VCF-style: chr2-29919987-G-C. GRCh37 (hg19) VCF-style: chr2-30142853-G-C.
Identifiers: ClinVar variation 1061781 (VCV001061781.9), dbSNP rs1292761264, ClinGen allele CA531684224.